The following is an entry in ClinVar:

ClinVar aggregate classification (germline): Uncertain significance (1 of 4 stars; one submission).

Conditions:
Developmental and epileptic encephalopathy, 27 (DEE27). Also called: Epileptic encephalopathy, early infantile, 27; GRIN2B-Related Neurodevelopmental Disorder. Identifiers: Orphanet 3451, MedGen C4015316, MONDO:0014505, OMIM 616139.
Intellectual developmental disorder, autosomal dominant 6, with or without seizures. Also called: Intellectual disability, autosomal dominant 6; GRIN2B-related developmental delay, intellectual disability and autism spectrum disorder. Identifiers: Orphanet 589547, MedGen C3151411, MONDO:0013509, OMIM 613970.

gnomAD v4.1: 1 of 1,614,208 alleles (0.000062%); highest among the groups gnomAD compares: Non-Finnish European, 0.000085%; no homozygotes.

Submission:

Labcorp Genetics (formerly Invitae), Labcorp
Classification: Uncertain significance for Developmental and epileptic encephalopathy, 27; Intellectual developmental disorder, autosomal dominant 6, with or without seizures. Last evaluated: 2024-08-14. Review status: criteria provided, single submitter. Criteria: Invitae Variant Classification Sherloc (09022015). Collection method: clinical testing. Allele origin: germline.
Comment: This sequence change replaces serine, which is neutral and polar, with leucine, which is neutral and non-polar, at codon 1432 of the GRIN2B protein (p.Ser1432Leu). This variant is not present in population databases (gnomAD no frequency). This variant has not been reported in the literature in individuals affected with GRIN2B-related conditions. Invitae Evidence Modeling of protein sequence and biophysical properties (such as structural, functional, and spatial information, amino acid conservation, physicochemical variation, residue mobility, and thermodynamic stability) indicates that this missense variant is not expected to disrupt GRIN2B protein function with a negative predictive value of 95%. In summary, the available evidence is currently insufficient to determine the role of this variant in disease. Therefore, it has been classified as a Variant of Uncertain Significance.

NM_000834.5(GRIN2B):c.4295C>T (p.Ser1432Leu)

Gene: GRIN2B (glutamate ionotropic receptor NMDA type subunit 2B; minus strand). Cytogenetic location: 12p13.1.
Variant type: single nucleotide variant.
Coding change: c.4295C>T on transcript NM_000834.5 (MANE Select); coding-DNA position 4295, C replaced by T.
Protein change: p.Ser1432Leu; replaces serine 1432 with leucine.
Molecular consequence: missense variant.
Genome position (GRCh38, 1-based): chr12:13,562,943, G>A on the plus strand (C>T on the coding strand, the complement: GRIN2B is on the minus strand). VCF-style: chr12-13562943-G-A. GRCh37 (hg19) VCF-style: chr12-13715877-G-A.
Other names: c.4295C>T, p.Ser1432Leu (NM_001413992.1); short protein forms S1432L.
Identifiers: ClinVar variation 3748472 (VCV003748472.2).